The following is an entry in ClinVar:

ClinVar aggregate classification (germline): Pathogenic. Review status: criteria provided, multiple submitters, no conflicts (2 of 4 stars). 2 submissions from 2 submitters: Pathogenic (2). Last evaluated 2020-09-18.

Conditions:
Severe X-linked myotubular myopathy (CNMX). Also called: MYOTUBULAR MYOPATHY 1; X-linked centronuclear myopathy; Myotubular myopathy, X-linked. Identifiers: Orphanet 596, MedGen C0410203, MONDO:0010683, OMIM 310400.

Submissions (2):

Rady Children's Institute for Genomic Medicine, Rady Children's Hospital San Diego
Classification: Pathogenic for MYOPATHY, CENTRONUCLEAR, X-LINKED. Last evaluated: 2020-09-18. Review status: criteria provided, single submitter. Criteria: ACMG Guidelines, 2015. Collection method: clinical testing. Allele origin: germline. Affected: yes.
Comment: This variant has been previously reported as a hemizygous change in a patient with X-linked myotubular myopathy (PMID: 17537630). It is absent from the gnomAD population database and thus is presumed to be rare. Analysis of the parental samples was negative for the variant, indicating this variant likely occurred as a de novo event. Based on the available evidence, the c.1306_1308del (p.Pro436del) variant is classified as Pathogenic.

Genetic Services Laboratory, University of Chicago
Classification: Pathogenic for Myotubular myopathy, X-linked. Last evaluated: 2013-02-08. Review status: criteria provided, single submitter. Criteria: ACMG Guidelines, 2007. Collection method: clinical testing. Allele origin: germline. Affected: yes.

NM_000252.3(MTM1):c.1306_1308del (p.Pro436del)

Gene: MTM1 (myotubularin 1; plus strand). Cytogenetic location: Xq28.
Variant type: Deletion.
Coding change: c.1306_1308del on transcript NM_000252.3 (MANE Select); coding-DNA positions 1306 to 1308, 3 bases deleted (CCT; older notation c.1306_1308delCCT).
Protein change: p.Pro436del; deletes proline 436.
Molecular consequence: inframe deletion.
Genome position (GRCh38, 1-based): chrX:150,659,709-150,659,711, CCT deleted; deleting any 3 consecutive bases within chrX:150,659,707-150,659,711 gives the same sequence; the c. name uses the placement nearest the transcript's 3' end. VCF-style (leftmost placement, unchanged base first): chrX-150659706-TCTC-T. GRCh37 (hg19) VCF-style: chrX-149828179-TCTC-T.
Other names: c.1304_1306del (NM_000252.2); c.1306_1308del, p.Pro436del (NM_001376906.1, NM_001376908.1); c.1195_1197del, p.Pro399del (NM_001376907.1); short protein forms P436del, P399del.
Identifiers: ClinVar variation 211528 (VCV000211528.6), dbSNP rs797045713, ClinGen allele CA277226.